The following is an entry in ClinVar:

ClinVar aggregate classification (germline): Uncertain significance (1 of 4 stars; one submission).

gnomAD v4.1: 41 of 1,610,316 alleles (0.0025%); highest among the groups gnomAD compares: East Asian, 0.0045%; no homozygotes.

Submission:

Labcorp Genetics (formerly Invitae), Labcorp
Classification: Uncertain significance. Last evaluated: 2025-05-07. Review status: criteria provided, single submitter. Criteria: Invitae Variant Classification Sherloc (09022015). Collection method: clinical testing. Allele origin: germline.
Comment: This sequence change replaces histidine, which is basic and polar, with tyrosine, which is neutral and polar, at codon 299 of the ASB10 protein (p.His299Tyr). This variant is present in population databases (rs369398816, gnomAD 0.005%). This variant has not been reported in the literature in individuals affected with ASB10-related conditions. An algorithm developed to predict the effect of missense changes on protein structure and function (PolyPhen-2) suggests that this variant is likely to be disruptive. In summary, the available evidence is currently insufficient to determine the role of this variant in disease. Therefore, it has been classified as a Variant of Uncertain Significance.

NM_001142459.2(ASB10):c.895C>T (p.His299Tyr)

Gene: ASB10 (ankyrin repeat and SOCS box containing 10; minus strand). Cytogenetic location: 7q36.1.
Variant type: single nucleotide variant.
Coding change: c.895C>T on transcript NM_001142459.2 (MANE Select); coding-DNA position 895, C replaced by T.
Protein change: p.His299Tyr; replaces histidine 299 with tyrosine.
Molecular consequence: missense variant.
Genome position (GRCh38, 1-based): chr7:151,181,148, G>A on the plus strand (C>T on the coding strand, the complement: ASB10 is on the minus strand). VCF-style: chr7-151181148-G-A. GRCh37 (hg19) VCF-style: chr7-150878235-G-A.
Other names: c.895C>T, p.His299Tyr (NM_001142460.1); c.850C>T, p.His284Tyr (NM_080871.4); short protein forms H284Y, H299Y.
Identifiers: ClinVar variation 4772137 (VCV004772137.1).